The following is an entry in ClinVar:

NM_000238.4(KCNH2):c.2782G>C (p.Gly928Arg)

Gene: KCNH2 (potassium voltage-gated channel subfamily H member 2; minus strand). Cytogenetic location: 7q36.1.
Variant type: single nucleotide variant.
Coding change: c.2782G>C on transcript NM_000238.4 (MANE Select); coding-DNA position 2782, G replaced by C.
Protein change: p.Gly928Arg; replaces glycine 928 with arginine.
Molecular consequence: missense variant.
Genome position (GRCh38, 1-based): chr7:150,947,789, C>G on the plus strand (G>C on the coding strand, the complement: KCNH2 is on the minus strand). VCF-style: chr7-150947789-C-G. GRCh37 (hg19) VCF-style: chr7-150644877-C-G.
Other names: c.2494G>C, p.Gly832Arg (NM_001406753.1); c.1762G>C, p.Gly588Arg (NM_172057.3); short protein forms G588R, G928R, G832R.
Identifiers: ClinVar variation 1795952 (VCV001795952.7), dbSNP rs769259008, ClinGen allele CA369853417.

ClinVar aggregate classification (germline): Uncertain significance. Review status: criteria provided, multiple submitters, no conflicts (2 of 4 stars). 3 submissions from 3 submitters: Uncertain significance (3). Last evaluated 2023-12-04.

Conditions:
Cardiac arrhythmia. Also called: Arrhythmia; Cardiac rhythm disease. Identifiers: MedGen C0003811, MONDO:0007263, HP:0011675.
Cardiovascular phenotype. Identifiers: MedGen CN230736.
Long QT syndrome (LQTS). Identifiers: MedGen C0023976, MeSH D008133, MONDO:0002442. Disease mechanism: loss of function. Inheritance: Various modes of inheritance.

Allele frequency attached by ClinVar (database versions not stated): TOPMed below 0.00001; gnomAD 0.00001.
gnomAD v4.1: 2 of 1,534,350 alleles (0.00013%); highest among the groups gnomAD compares: Non-Finnish European, 0.00017%; no homozygotes.

Submissions (3):

Color Diagnostics, LLC DBA Color Health
Classification: Uncertain significance for Cardiac arrhythmia. Last evaluated: 2023-12-04. Review status: criteria provided, single submitter. Criteria: ACMG Guidelines, 2015. Collection method: clinical testing. Allele origin: germline.
Comment: This missense variant replaces glycine with arginine at codon 928 of the KCNH2 protein. Computational prediction is inconclusive regarding the impact of this variant on protein structure and function (internally defined REVEL score threshold 0.5 < inconclusive < 0.7, PMID: 27666373). To our knowledge, functional studies have not been reported for this variant. This variant has not been reported in individuals affected with KCNH2-related disorders in the literature. This variant has not been identified in the general population by the Genome Aggregation Database (gnomAD). The available evidence is insufficient to determine the role of this variant in disease conclusively. Therefore, this variant is classified as a Variant of Uncertain Significance.

Labcorp Genetics (formerly Invitae), Labcorp
Classification: Uncertain significance for Long QT syndrome. Last evaluated: 2023-08-09. Review status: criteria provided, single submitter. Criteria: Invitae Variant Classification Sherloc (09022015). Collection method: clinical testing. Allele origin: germline.
Comment: This sequence change replaces glycine, which is neutral and non-polar, with arginine, which is basic and polar, at codon 928 of the KCNH2 protein (p.Gly928Arg). This variant is not present in population databases (gnomAD no frequency). This variant has not been reported in the literature in individuals affected with KCNH2-related conditions. ClinVar contains an entry for this variant (Variation ID: 1795952). An algorithm developed to predict the effect of missense changes on protein structure and function (PolyPhen-2) suggests that this variant is likely to be tolerated. In summary, the available evidence is currently insufficient to determine the role of this variant in disease. Therefore, it has been classified as a Variant of Uncertain Significance.

Ambry Genetics
Classification: Uncertain significance for Cardiovascular phenotype. Last evaluated: 2020-11-03. Review status: criteria provided, single submitter. Criteria: Ambry Variant Classification Scheme 2023. Collection method: clinical testing. Allele origin: germline.
Comment: The p.G928R variant (also known as c.2782G>C), located in coding exon 12 of the KCNH2 gene, results from a G to C substitution at nucleotide position 2782. The glycine at codon 928 is replaced by arginine, an amino acid with dissimilar properties, and is located in the C-terminal region of the protein. This amino acid position is well conserved in available vertebrate species. In addition, this alteration is predicted to be deleterious by in silico analysis. Since supporting evidence is limited at this time, the clinical significance of this alteration remains unclear.